The following is an entry in ClinVar:

NM_003906.5(MCM3AP):c.4015del (p.Ala1339fs)

Gene: MCM3AP (minichromosome maintenance complex component 3 associated protein; minus strand). Cytogenetic location: 21q22.3.
Variant type: Deletion.
Coding change: c.4015del on transcript NM_003906.5 (MANE Select); coding-DNA position 4015, one base deleted (G; older notation c.4015delG).
Protein change: p.Ala1339fs; shifts the reading frame from alanine 1339.
Molecular consequence: frameshift variant.
Genome position (GRCh38, 1-based): chr21:46,254,513, C deleted on the plus strand (G on the coding strand, the reverse complement: MCM3AP is on the minus strand); the first of 3 consecutive C bases (chr21:46,254,513-46,254,515); deleting any one gives the same sequence. VCF-style (leftmost placement, unchanged base first): chr21-46254512-GC-G. GRCh37 (hg19) VCF-style: chr21-47674426-GC-G.
Other names: short protein forms A1339fs.
Identifiers: ClinVar variation 2113674 (VCV002113674.4), dbSNP rs2517354241, ClinGen allele CA2580098939.

ClinVar aggregate classification (germline): Pathogenic (1 of 4 stars; one submission).

Submission:

Labcorp Genetics (formerly Invitae), Labcorp
Classification: Pathogenic. Last evaluated: 2022-03-18. Review status: criteria provided, single submitter. Criteria: Invitae Variant Classification Sherloc (09022015). Collection method: clinical testing. Allele origin: germline.
Comment: This sequence change creates a premature translational stop signal (p.Ala1339Argfs*31) in the MCM3AP gene. It is expected to result in an absent or disrupted protein product. Loss-of-function variants in MCM3AP are known to be pathogenic (PMID: 28633435). This variant is not present in population databases (gnomAD no frequency). This variant has not been reported in the literature in individuals affected with MCM3AP-related conditions. For these reasons, this variant has been classified as Pathogenic.

Literature cited by the submitters: PubMed 28633435.